The following is an entry in ClinVar:

ClinVar aggregate classification (germline): Uncertain significance (1 of 4 stars; one submission).

Submission:

Labcorp Genetics (formerly Invitae), Labcorp
Classification: Uncertain significance. Last evaluated: 2023-04-12. Review status: criteria provided, single submitter. Criteria: Invitae Variant Classification Sherloc (09022015). Collection method: clinical testing. Allele origin: germline.
Comment: This sequence change replaces aspartic acid, which is acidic and polar, with tyrosine, which is neutral and polar, at codon 202 of the DDX58 protein (p.Asp202Tyr). This variant is not present in population databases (gnomAD no frequency). This variant has not been reported in the literature in individuals affected with DDX58-related conditions. An algorithm developed to predict the effect of missense changes on protein structure and function (PolyPhen-2) suggests that this variant is likely to be disruptive. In summary, the available evidence is currently insufficient to determine the role of this variant in disease. Therefore, it has been classified as a Variant of Uncertain Significance.

NM_014314.4(RIGI):c.604G>T (p.Asp202Tyr)

Gene: RIGI (RNA sensor RIG-I; minus strand). Cytogenetic location: 9p21.1.
Variant type: single nucleotide variant.
Coding change: c.604G>T on transcript NM_014314.4 (MANE Select); coding-DNA position 604, G replaced by T.
Protein change: p.Asp202Tyr; replaces aspartic acid 202 with tyrosine.
Molecular consequence: missense variant. On other transcripts: 5 prime UTR variant (1).
Genome position (GRCh38, 1-based): chr9:32,491,388, C>A on the plus strand (G>T on the coding strand, the complement: RIGI is on the minus strand). VCF-style: chr9-32491388-C-A. GRCh37 (hg19) VCF-style: chr9-32491386-C-A.
Other names: c.604G>T, p.Asp202Tyr (NM_001385907.1, NM_001385909.1); c.163G>T, p.Asp55Tyr (NM_001385910.1, NM_001385914.1); c.-6G>T (NM_001385912.1); c.589G>T, p.Asp197Tyr (NM_001385913.1); short protein forms D197Y, D202Y, D55Y.
Identifiers: ClinVar variation 2830833 (VCV002830833.3), dbSNP rs2489336792, ClinGen allele CA373161360.
Genomic context (GRCh38, chr9:32,491,388, plus strand): 5'-GATTCTGGCATTCTGGATCTTCTTGGTAGAAAATCTGTATGTCAGAAGTTTCCATCTTAT[C>A]CTCAAGATCTTCTGTTTCAACATCTTTTATACCTTTTTAAGACCAAAAAAGTCTTAGAAT-3'
Protein context (NP_055129.2, residues 192-212): IKDVETEDLE[Asp202Tyr]KMETSDIQIF